The following is an entry in ClinVar:

ClinVar aggregate classification (germline): Uncertain significance (1 of 4 stars; one submission).

Conditions:
Early-onset Parkinson disease 20. Also called: PARKINSON DISEASE 20, AUTOSOMAL RECESSIVE EARLY-ONSET. Identifiers: Orphanet 391411, MedGen C3809824, MONDO:0014233, OMIM 615530.
Developmental and epileptic encephalopathy, 53. Also called: Epileptic encephalopathy, early infantile, 53. Identifiers: MedGen C4479313, MONDO:0033362, OMIM 617389.

Allele frequency attached by ClinVar (database versions not stated): gnomAD exomes below 0.00001; TOPMed below 0.00001; gnomAD 0.00001.
gnomAD v4.1: 19 of 1,613,338 alleles (0.0012%); highest among the groups gnomAD compares: Non-Finnish European, 0.0016%; no homozygotes.

Submission:

Labcorp Genetics (formerly Invitae), Labcorp
Classification: Uncertain significance for Developmental and epileptic encephalopathy, 53; Early-onset Parkinson disease 20. Last evaluated: 2020-04-09. Review status: criteria provided, single submitter. Criteria: Invitae Variant Classification Sherloc (09022015). Collection method: clinical testing. Allele origin: germline.
Comment: In summary, the available evidence is currently insufficient to determine the role of this variant in disease. Therefore, it has been classified as a Variant of Uncertain Significance. Algorithms developed to predict the effect of sequence changes on RNA splicing suggest that this variant may create or strengthen a splice site, but this prediction has not been confirmed by published transcriptional studies. Algorithms developed to predict the effect of missense changes on protein structure and function (SIFT, PolyPhen-2, Align-GVGD) all suggest that this variant is likely to be tolerated, but these predictions have not been confirmed by published functional studies and their clinical significance is uncertain. This variant has not been reported in the literature in individuals with SYNJ1-related conditions. This variant is not present in population databases (ExAC no frequency). This sequence change replaces isoleucine with valine at codon 478 of the SYNJ1 protein (p.Ile478Val). The isoleucine residue is highly conserved and there is a small physicochemical difference between isoleucine and valine.

NM_203446.3(SYNJ1):c.1315A>G (p.Ile439Val)

Gene: SYNJ1 (synaptojanin 1; minus strand). Cytogenetic location: 21q22.11.
Variant type: single nucleotide variant.
Coding change: c.1315A>G on transcript NM_203446.3 (MANE Select); coding-DNA position 1315, A replaced by G.
Protein change: p.Ile439Val; replaces isoleucine 439 with valine.
Molecular consequence: missense variant.
Genome position (GRCh38, 1-based): chr21:32,681,534, T>C on the plus strand (A>G on the coding strand, the complement: SYNJ1 is on the minus strand). VCF-style: chr21-32681534-T-C. GRCh37 (hg19) VCF-style: chr21-34053844-T-C.
Other names: c.1315A>G, p.Ile439Val (NM_001160302.2, NM_001160306.2); c.1432A>G, p.Ile478Val (NM_003895.4); short protein forms I439V, I478V.
Identifiers: ClinVar variation 1016131 (VCV001016131.9), dbSNP rs1569085743, ClinGen allele CA410089819.